The following is an entry in ClinVar:

ClinVar aggregate classification (germline): Pathogenic (1 of 4 stars; one submission).

Conditions:
Neuronal ceroid lipofuscinosis 11. Also called: GRN-Related Neuronal Ceroid-Lipofuscinosis. Identifiers: Orphanet 314629, Orphanet 79262, MedGen C3539123, MONDO:0013866, OMIM 614706.
GRN-related frontotemporal lobar degeneration with Tdp43 inclusions (FTD2). Also called: DEMENTIA, HEREDITARY DYSPHASIC DISINHIBITION; FRONTOTEMPORAL LOBAR DEGENERATION WITH UBIQUITIN-POSITIVE INCLUSIONS; FTLD-TDP, GRN-RELATED; GRN Frontotemporal Dementia; FRONTOTEMPORAL DEMENTIA WITH TDP43 INCLUSIONS, GRN-RELATED. Identifiers: Orphanet 100070, Orphanet 282, MedGen C1843792, MONDO:0011842, OMIM 607485. Disease mechanism: loss of function.

Submission:

Labcorp Genetics (formerly Invitae), Labcorp
Classification: Pathogenic for Neuronal ceroid lipofuscinosis 11; GRN-related frontotemporal lobar degeneration with Tdp43 inclusions. Last evaluated: 2022-08-25. Review status: criteria provided, single submitter. Criteria: Invitae Variant Classification Sherloc (09022015). Collection method: clinical testing. Allele origin: germline.
Comment: This sequence change creates a premature translational stop signal (p.Cys99Profs*15) in the GRN gene. It is expected to result in an absent or disrupted protein product. Loss-of-function variants in GRN are known to be pathogenic (PMID: 16862116, 16950801, 22608501). This variant is not present in population databases (gnomAD no frequency). This premature translational stop signal has been observed in individual(s) with frontotemporal dementia and/or frontotemporal lobar degeneration (PMID: 24081456, 32474471). It has also been observed to segregate with disease in related individuals. For these reasons, this variant has been classified as Pathogenic.

Literature cited by the submitters: PubMed 16862116; PubMed 16950801; PubMed 22608501; PubMed 24081456; PubMed 32474471.

NM_002087.4(GRN):c.295_308del (p.Cys99fs)

Gene: GRN (granulin precursor; plus strand). Cytogenetic location: 17q21.31.
Variant type: Deletion.
Coding change: c.295_308del on transcript NM_002087.4 (MANE Select); coding-DNA positions 295 to 308, 14 bases deleted (TGCCCACGGGGCTT).
Protein change: p.Cys99fs; shifts the reading frame from cysteine 99.
Molecular consequence: frameshift variant.
Genome position (GRCh38, 1-based): chr17:44,349,697-44,349,710, TGCCCACGGGGCTT deleted. VCF-style (leftmost placement, unchanged base first): chr17-44349696-CTGCCCACGGGGCTT-C. GRCh37 (hg19) VCF-style: chr17-42427064-CTGCCCACGGGGCTT-C.
Other names: short protein forms C99fs.
Identifiers: ClinVar variation 2138054 (VCV002138054.1), dbSNP rs2510054721, ClinGen allele CA2580093879.